The following is an entry in ClinVar:

NM_002834.5(PTPN11):c.1023T>C (p.Phe341=)

Gene: PTPN11 (protein tyrosine phosphatase non-receptor type 11; plus strand). Cytogenetic location: 12q24.13.
Variant type: single nucleotide variant.
Coding change: c.1023T>C on transcript NM_002834.5 (MANE Select); coding-DNA position 1023, T replaced by C.
Protein change: p.Phe341=; no amino-acid change (phenylalanine 341 retained).
Molecular consequence: synonymous variant.
Genome position (GRCh38, 1-based): chr12:112,477,946, T>C. VCF-style: chr12-112477946-T-C. GRCh37 (hg19) VCF-style: chr12-112915750-T-C.
Other names: c.1023T>C, p.Phe341= (NM_001330437.2, NM_080601.3); c.1020T>C, p.Phe340= (NM_001374625.1); c.1023T>C (NM_002834.4).
Identifiers: ClinVar variation 387776 (VCV000387776.12), dbSNP rs762516252, ClinGen allele CA6798701.

ClinVar aggregate classification (germline): Likely benign. Review status: criteria provided, multiple submitters, no conflicts (2 of 4 stars). 5 submissions from 5 submitters: Likely benign (5). Last evaluated 2025-12-22.

Conditions:
PTPN11-related disorder. Also called: PTPN11-Related Disorders.
Cardiovascular phenotype. Identifiers: MedGen CN230736.
RASopathy. Also called: Noonan spectrum disorder; rasopathies. Identifiers: Orphanet 536391, MedGen C5555857, MONDO:0021060.

Allele frequency attached by ClinVar (database versions not stated): gnomAD 0.00001; gnomAD exomes 0.00001; TOPMed 0.00001; ExAC 0.00002.
gnomAD v4.1: 13 of 1,614,076 alleles (0.00081%); highest among the groups gnomAD compares: Non-Finnish European, 0.001%; no homozygotes.

Submissions (5):

PreventionGenetics, part of Exact Sciences
Classification: Likely benign for PTPN11-related condition. Last evaluated: 2025-12-22. Review status: criteria provided, single submitter. Criteria: ACMG Guidelines, 2015. Collection method: clinical testing. Allele origin: germline.
Comment: This variant is classified as likely benign based on ACMG/AMP sequence variant interpretation guidelines (Richards et al. 2015 PMID: 25741868, with internal and published modifications).

Labcorp Genetics (formerly Invitae), Labcorp
Classification: Likely benign for RASopathy. Last evaluated: 2025-01-16. Review status: criteria provided, single submitter. Criteria: Invitae Variant Classification Sherloc (09022015). Collection method: clinical testing. Allele origin: germline.

Ambry Genetics
Classification: Likely benign for Cardiovascular phenotype. Last evaluated: 2023-05-05. Review status: criteria provided, single submitter. Criteria: Ambry Variant Classification Scheme 2023. Collection method: clinical testing. Allele origin: germline.

Blueprint Genetics
Classification: Likely benign. Last evaluated: 2021-09-10. Review status: criteria provided, single submitter. Criteria: ACMG Guidelines, 2015. Collection method: clinical testing. Allele origin: germline.

GeneDx
Classification: Likely benign. Last evaluated: 2016-07-15. Review status: criteria provided, single submitter. Criteria: GeneDx Variant Classification (06012015). Collection method: clinical testing. Allele origin: germline. Affected: yes.
Comment: This variant is considered likely benign or benign based on one or more of the following criteria: it is a conservative change, it occurs at a poorly conserved position in the protein, it is predicted to be benign by multiple in silico algorithms, and/or has population frequency not consistent with disease.